The following is an entry in ClinVar:

ClinVar aggregate classification (germline): Uncertain significance. Review status: criteria provided, multiple submitters, no conflicts (2 of 4 stars). 2 submissions from 2 submitters: Uncertain significance (2). Last evaluated 2025-12-04.

Submissions (2):

Women's Health and Genetics/Laboratory Corporation of America, LabCorp
Classification: Uncertain significance. Last evaluated: 2025-12-04. Review status: criteria provided, single submitter. Criteria: LabCorp Variant Classification Summary - May 2015. Collection method: clinical testing. Allele origin: germline.
Comment: Variant summary: COL7A1 c.6751G>C (p.Gly2251Arg) results in a non-conservative amino acid change in the encoded protein sequence. Algorithms developed to predict the effect of missense changes on protein structure and function all suggest that this variant is likely to be disruptive. Consensus agreement among computation tools predict no significant impact on normal splicing. However, these predictions have yet to be confirmed by functional studies. The variant was absent in 251150 control chromosomes. The available data on variant occurrences in the general population are insufficient to allow any conclusion about variant significance. To our knowledge, no occurrence of c.6751G>C in individuals affected with COL7A1-related conditions and no experimental evidence demonstrating its impact on protein function have been reported. ClinVar contains an entry for this variant (Variation ID: 1495235). Based on the evidence outlined above, the variant was classified as uncertain significance.

Labcorp Genetics (formerly Invitae), Labcorp
Classification: Uncertain significance. Last evaluated: 2022-08-20. Review status: criteria provided, single submitter. Criteria: Invitae Variant Classification Sherloc (09022015). Collection method: clinical testing. Allele origin: germline.
Comment: In summary, the available evidence is currently insufficient to determine the role of this variant in disease. Therefore, it has been classified as a Variant of Uncertain Significance. This variant disrupts the p.Gly2251 amino acid residue in COL7A1. Other variant(s) that disrupt this residue have been observed in individuals with COL7A1-related conditions (PMID: 9856844, 16971478), which suggests that this may be a clinically significant amino acid residue. This variant disrupts the triple helix domain of COL7A1. Glycine residues within the Gly-Xaa-Yaa repeats of the triple helix domain are required for the structure and stability of fibrillar collagens (PMID: 7695699, 8218237, 19344236), and variants at these glycine residues in COL7A1 are more frequently observed in individuals with disease than in the general population (PMID: 22058051). However, the clinical significance of this observation remains uncertain since only a limited number of affected individuals have been described to date. Algorithms developed to predict the effect of sequence changes on RNA splicing suggest that this variant may disrupt the consensus splice site. Algorithms developed to predict the effect of missense changes on protein structure and function (SIFT, PolyPhen-2, Align-GVGD) all suggest that this variant is likely to be disruptive. ClinVar contains an entry for this variant (Variation ID: 1495235). This variant has not been reported in the literature in individuals affected with COL7A1-related conditions. This variant is not present in population databases (gnomAD no frequency). This sequence change replaces glycine, which is neutral and non-polar, with arginine, which is basic and polar, at codon 2251 of the COL7A1 protein (p.Gly2251Arg).

Literature cited by the submitters: PubMed 9856844 (cited by Labcorp Genetics (formerly Invitae), Labcorp); PubMed 16971478 (cited by Labcorp Genetics (formerly Invitae), Labcorp); PubMed 7695699 (cited by Labcorp Genetics (formerly Invitae), Labcorp); PubMed 8218237 (cited by Labcorp Genetics (formerly Invitae), Labcorp); PubMed 19344236 (cited by Labcorp Genetics (formerly Invitae), Labcorp); PubMed 22058051 (cited by Labcorp Genetics (formerly Invitae), Labcorp).

NM_000094.4(COL7A1):c.6751G>C (p.Gly2251Arg)

Gene: COL7A1 (collagen type VII alpha 1 chain; minus strand). Cytogenetic location: 3p21.31.
Variant type: single nucleotide variant.
Coding change: c.6751G>C on transcript NM_000094.4 (MANE Select); coding-DNA position 6751, G replaced by C.
Protein change: p.Gly2251Arg; replaces glycine 2251 with arginine.
Molecular consequence: missense variant.
Genome position (GRCh38, 1-based): chr3:48,572,942, C>G on the plus strand (G>C on the coding strand, the complement: COL7A1 is on the minus strand). VCF-style: chr3-48572942-C-G. GRCh37 (hg19) VCF-style: chr3-48610375-C-G.
Other names: short protein forms G2251R.
Identifiers: ClinVar variation 1495235 (VCV001495235.7), dbSNP rs765034336, ClinGen allele CA352654942.